The following is an entry in ClinVar:

ClinVar aggregate classification (germline): Uncertain significance. Review status: criteria provided, multiple submitters, no conflicts (2 of 4 stars). 2 submissions from 2 submitters: Uncertain significance (2). Last evaluated 2026-02-19.

Conditions:
Myopathy, proximal, and ophthalmoplegia (CMYO6). Also called: INCLUSION BODY MYOPATHY 3, AUTOSOMAL DOMINANT; MYOPATHY WITH CONGENITAL JOINT CONTRACTURES, OPHTHALMOPLEGIA, AND RIMMED VACUOLES; CONGENITAL MYOPATHY 6 WITH OPHTHALMOPLEGIA. Identifiers: Orphanet 363677, Orphanet 79091, MedGen C1854106, MONDO:0011577, OMIM 605637.

Submissions (2):

Dasa
Classification: Uncertain significance. Last evaluated: 2026-02-19. Review status: criteria provided, single submitter. Criteria: DASA Assertion Criteria. Collection method: clinical testing. Allele origin: germline.
Comment: NM_017534.6(MYH2):c.204G>A (p.Ala68=) is a synonymous variant predicted not to alter the encoded amino acid sequence. This variant is rare in population databases. The currently available literature and clinical evidence are not sufficient to establish a definitive association between this variant and the reported condition. Therefore, this variant is classified as a variant of uncertain significance.

Labcorp Genetics (formerly Invitae), Labcorp
Classification: Uncertain significance for Myopathy, proximal, and ophthalmoplegia. Last evaluated: 2024-05-28. Review status: criteria provided, single submitter. Criteria: Invitae Variant Classification Sherloc (09022015). Collection method: clinical testing. Allele origin: germline.
Comment: This sequence change affects codon 68 of the MYH2 mRNA. It is a 'silent' change, meaning that it does not change the encoded amino acid sequence of the MYH2 protein. This variant also falls at the last nucleotide of exon 3, which is part of the consensus splice site for this exon. This variant is present in population databases (rs527556888, gnomAD 0.004%). This variant has not been reported in the literature in individuals affected with MYH2-related conditions. Variants that disrupt the consensus splice site are a relatively common cause of aberrant splicing (PMID: 17576681, 9536098). Algorithms developed to predict the effect of sequence changes on RNA splicing suggest that this variant is not likely to affect RNA splicing. In summary, the available evidence is currently insufficient to determine the role of this variant in disease. Therefore, it has been classified as a Variant of Uncertain Significance.

Literature cited by the submitters: PubMed 17576681 (cited by Labcorp Genetics (formerly Invitae), Labcorp); PubMed 9536098 (cited by Labcorp Genetics (formerly Invitae), Labcorp).

NM_017534.6(MYH2):c.204G>A (p.Ala68=)

Genes: MYH2 (myosin heavy chain 2; minus strand), MYHAS (myosin heavy chain gene cluster antisense RNA; plus strand). Cytogenetic location: 17p13.1.
Variant type: single nucleotide variant.
Coding change: c.204G>A on transcript NM_017534.6 (MANE Select); coding-DNA position 204, G replaced by A.
Protein change: p.Ala68=; no amino-acid change (alanine 68 retained).
Molecular consequence: synonymous variant.
Genome position (GRCh38, 1-based): chr17:10,547,717, C>T on the plus strand (G>A on the coding strand, the complement: MYH2 is on the minus strand). VCF-style: chr17-10547717-C-T. GRCh37 (hg19) VCF-style: chr17-10451034-C-T.
Other names: c.204G>A, p.Ala68= (NM_001100112.2).
Identifiers: ClinVar variation 3694745 (VCV003694745.4).
Genomic context (GRCh38, chr17:10,547,717, plus strand): 5'-TGACCAAACAACAACAACAAAAATCAATAAAATGTGGCAAGCTCCTGGGATTCTACTCAC[C>T]GCTCCTCCCTCAGTCTTCACCGTCACTTTTCCTCCTTCTCTGCTCTGGATGGTCCCTTTG-3'
Protein context (NP_060004.3, residues 58-78): GKVTVKTEGG[Ala68=]TLTVKDDQVF